The following is an entry in ClinVar:

ClinVar aggregate classification (germline): Uncertain significance (1 of 4 stars; one submission).

Conditions:
SYNE1-related disorder. Also called: SYNE1-related disorders; SYNE1-related disease; SYNE1-related condition.

gnomAD v4.1: 2 of 1,614,080 alleles (0.00012%); highest among the groups gnomAD compares: Non-Finnish European, 0.00017%; no homozygotes.

Submission:

PreventionGenetics, part of Exact Sciences
Classification: Uncertain significance for SYNE1-related condition. Last evaluated: 2025-07-30. Review status: criteria provided, single submitter. Criteria: ACMG Guidelines, 2015. Collection method: clinical testing. Allele origin: germline.
Comment: The SYNE1 c.3287C>T variant is predicted to result in the amino acid substitution p.Pro1096Leu. To our knowledge, this variant has not been reported in the literature or in a large population database (gnomAD), indicating this variant is rare. At this time, the clinical significance of this variant is uncertain due to the absence of conclusive functional and genetic evidence.

NM_182961.4(SYNE1):c.3266C>T (p.Pro1089Leu)

Gene: SYNE1 (spectrin repeat containing nuclear envelope protein 1; minus strand). Cytogenetic location: 6q25.2.
Variant type: single nucleotide variant.
Coding change: c.3266C>T on transcript NM_182961.4 (MANE Select); coding-DNA position 3266, C replaced by T.
Protein change: p.Pro1089Leu; replaces proline 1089 with leucine.
Molecular consequence: missense variant.
Genome position (GRCh38, 1-based): chr6:152,450,754, G>A on the plus strand (C>T on the coding strand, the complement: SYNE1 is on the minus strand). VCF-style: chr6-152450754-G-A. GRCh37 (hg19) VCF-style: chr6-152771889-G-A.
Other names: c.3287C>T, p.Pro1096Leu (NM_033071.5); short protein forms P1089L, P1096L.
Identifiers: ClinVar variation 4979849 (VCV004979849.1).
Genomic context (GRCh38, chr6:152,450,754, plus strand): 5'-CTGAGCTCTTTGAGAGTCACGTGACAGGTTCCAGGTGTGTCCCTTACTGGGTCCCGCACT[G>A]GGAGTTTCACACAGAGTTCCTCGATGAGCTGTAACCTTTTCTCACAGAGATGATGAGGAC-3'
Protein context (NP_892006.3, residues 1079-1099): QLIEELCVKL[Pro1089Leu]VRDPVRDTPG